The following is an entry in ClinVar:

ClinVar aggregate classification (germline): Conflicting classifications of pathogenicity. Review status: criteria provided, conflicting classifications (1 of 4 stars). 9 submissions from 9 submitters: Uncertain significance (1); Benign (2); Likely benign (5). 1 of the submissions does not count toward it. Last evaluated 2026-02-02.

Conditions:
Familial thoracic aortic aneurysm and aortic dissection (TAAD). Also called: Thoracic aortic aneurysms and dissections. Identifiers: Orphanet 91387, MedGen C4707243, MONDO:0019625.
Marfan syndrome (MFS). Also called: Marfan syndrome type 1; Marfan's syndrome; Marfan syndrome, classic; MARFAN SYNDROME, TYPE I; FBN1-Related Marfan Syndrome. Identifiers: Orphanet 284963, Orphanet 558, MedGen C0024796, MONDO:0007947, OMIM 154700.
FBN1-related disorder. Also called: FBN1-related disorders.

Allele frequency attached by ClinVar (database versions not stated): gnomAD 0.00070; 1000 Genomes Project 30x 0.00109; 1000 Genomes Project 0.00120; TOPMed 0.00149; ESP Exome Variant Server 0.00177.
gnomAD v4.1: 358 of 1,614,094 alleles (0.022%); highest among the groups gnomAD compares: African/African-American, 0.45%; 1 homozygote.

Submissions (9):

Labcorp Genetics (formerly Invitae), Labcorp
Classification: Benign for Marfan syndrome; Familial thoracic aortic aneurysm and aortic dissection. Last evaluated: 2026-02-02. Review status: criteria provided, single submitter. Criteria: Invitae Variant Classification Sherloc (09022015). Collection method: clinical testing. Allele origin: germline.

ARUP Laboratories, Molecular Genetics and Genomics, ARUP Laboratories
Classification: Likely benign. Last evaluated: 2025-03-27. Review status: criteria provided, single submitter. Criteria: ARUP Molecular Germline Variant Investigation Process 2024. Collection method: clinical testing. Allele origin: germline.

CeGaT Center for Human Genetics Tuebingen
Classification: Likely benign. Last evaluated: 2023-04-01. Review status: criteria provided, single submitter. Criteria: CeGaT Center For Human Genetics Tuebingen Variant Classification Criteria Version 2. Collection method: clinical testing. Allele origin: germline. Affected: yes. Observed: 1 variant allele.
Comment: FBN1: PP2, BS1

Center for Genomics, Ann and Robert H. Lurie Children's Hospital of Chicago
Classification: Benign for Marfan syndrome. Last evaluated: 2022-08-15. Review status: criteria provided, single submitter. Criteria: ACMG Guidelines, 2015. Collection method: clinical testing. Allele origin: germline. Observed: 1 variant allele.

Ambry Genetics
Classification: Likely benign for Familial thoracic aortic aneurysm and aortic dissection. Last evaluated: 2021-04-01. Review status: criteria provided, single submitter. Criteria: Ambry Variant Classification Scheme 2023. Collection method: clinical testing. Allele origin: germline.

GeneDx
Classification: Likely benign. Last evaluated: 2020-09-09. Review status: criteria provided, single submitter. Criteria: GeneDx Variant Classification Process June 2021. Collection method: clinical testing. Allele origin: germline. Affected: yes.
Comment: This variant is associated with the following publications: (PMID: 30122538, 30086531)

Color Diagnostics, LLC DBA Color Health
Classification: Likely benign for Familial thoracic aortic aneurysm and aortic dissection. Last evaluated: 2019-01-08. Review status: criteria provided, single submitter. Criteria: ACMG Guidelines, 2015. Collection method: clinical testing. Allele origin: germline.

Center for Human Genetics, Inc
Classification: Uncertain significance for Marfan syndrome. Last evaluated: 2016-11-01. Review status: criteria provided, single submitter. Criteria: ACMG Guidelines, 2015. Collection method: clinical testing. Allele origin: germline. Affected: yes.

PreventionGenetics, part of Exact Sciences
Classification: Likely benign for FBN1-related condition. Last evaluated: 2019-02-21. Review status: no assertion criteria provided. Collection method: clinical testing. Allele origin: germline. Not counted in ClinVar's aggregate classification.
Comment: This variant is classified as likely benign based on ACMG/AMP sequence variant interpretation guidelines (Richards et al. 2015 PMID: 25741868, with internal and published modifications).

NM_000138.5(FBN1):c.2934C>G (p.Asp978Glu)

Gene: FBN1 (fibrillin 1; minus strand). Cytogenetic location: 15q21.1.
Variant type: single nucleotide variant.
Coding change: c.2934C>G on transcript NM_000138.5 (MANE Select); coding-DNA position 2934, C replaced by G.
Protein change: p.Asp978Glu; replaces aspartic acid 978 with glutamic acid.
Molecular consequence: missense variant.
Genome position (GRCh38, 1-based): chr15:48,489,999, G>C on the plus strand (C>G on the coding strand, the complement: FBN1 is on the minus strand). VCF-style: chr15-48489999-G-C. GRCh37 (hg19) VCF-style: chr15-48782196-G-C.
Other names: p.D978E:GAC>GAG; short protein forms D978E.
Identifiers: ClinVar variation 199947 (VCV000199947.91), dbSNP rs138438849, ClinGen allele CA013568.